The following is an entry in ClinVar:

ClinVar aggregate classification (germline): Uncertain significance. Review status: criteria provided, multiple submitters, no conflicts (2 of 4 stars). 2 submissions from 2 submitters: Uncertain significance (2). Last evaluated 2023-04-04.

Conditions:
Fanconi anemia (FA). Also called: Fanconi's anemia. Identifiers: Orphanet 84, MedGen C0015625, MeSH D005199, MONDO:0019391.
Fanconi anemia complementation group P. Also called: SLX4-Related Fanconi Anemia. Identifiers: Orphanet 84, MedGen C3469542, MONDO:0013499, OMIM 613951.

Allele frequency attached by ClinVar (database versions not stated): gnomAD 0.00001; TOPMed 0.00001.
gnomAD v4.1: 5 of 1,613,230 alleles (0.00031%); highest among the groups gnomAD compares: African/African-American, 0.0013%; no homozygotes.

Submissions (2):

Labcorp Genetics (formerly Invitae), Labcorp
Classification: Uncertain significance for Fanconi anemia. Last evaluated: 2023-04-04. Review status: criteria provided, single submitter. Criteria: Invitae Variant Classification Sherloc (09022015). Collection method: clinical testing. Allele origin: germline.
Comment: In summary, the available evidence is currently insufficient to determine the role of this variant in disease. Therefore, it has been classified as a Variant of Uncertain Significance. This sequence change falls in intron 5 of the SLX4 gene. It does not directly change the encoded amino acid sequence of the SLX4 protein. It affects a nucleotide within the consensus splice site. This variant is not present in population databases (gnomAD no frequency). This variant has not been reported in the literature in individuals affected with SLX4-related conditions. ClinVar contains an entry for this variant (Variation ID: 884337). Variants that disrupt the consensus splice site are a relatively common cause of aberrant splicing (PMID: 17576681, 9536098). Algorithms developed to predict the effect of sequence changes on RNA splicing suggest that this variant may disrupt the consensus splice site.

Illumina Laboratory Services, Illumina
Classification: Uncertain significance for Fanconi anemia complementation group P. Last evaluated: 2018-01-13. Review status: criteria provided, single submitter. Criteria: ICSL Variant Classification Criteria 13 December 2019. Collection method: clinical testing. Allele origin: germline.

Literature cited by the submitters: PubMed 17576681 (cited by Labcorp Genetics (formerly Invitae), Labcorp); PubMed 9536098 (cited by Labcorp Genetics (formerly Invitae), Labcorp).

NM_032444.4(SLX4):c.1163+5G>A

Gene: SLX4 (SLX4 structure-specific endonuclease subunit; minus strand). Cytogenetic location: 16p13.3.
Variant type: single nucleotide variant.
Coding change: c.1163+5G>A on transcript NM_032444.4 (MANE Select); 5 bases into the intron after coding-DNA position 1163, G replaced by A.
Molecular consequence: intron variant.
Genome position (GRCh38, 1-based): chr16:3,600,974, C>T on the plus strand (G>A on the coding strand, the complement: SLX4 is on the minus strand). VCF-style: chr16-3600974-C-T. GRCh37 (hg19) VCF-style: chr16-3650975-C-T.
Identifiers: ClinVar variation 884337 (VCV000884337.6), dbSNP rs762454252, ClinGen allele CA720549504.